The following is an entry in ClinVar:

NM_006580.4(CLDN16):c.128G>T (p.Cys43Phe)

Gene: CLDN16 (claudin 16; plus strand). Cytogenetic location: 3q28.
Variant type: single nucleotide variant.
Coding change: c.128G>T on transcript NM_006580.4 (MANE Select); coding-DNA position 128, G replaced by T.
Protein change: p.Cys43Phe; replaces cysteine 43 with phenylalanine.
Molecular consequence: missense variant.
Genome position (GRCh38, 1-based): chr3:190,402,350, G>T. VCF-style: chr3-190402350-G-T. GRCh37 (hg19) VCF-style: chr3-190120139-G-T.
Other names: c.128G>T, p.Cys43Phe (NM_001378492.1, NM_001378493.1); short protein forms C43F.
Identifiers: ClinVar variation 4074271 (VCV004074271.1).

ClinVar aggregate classification (germline): Likely pathogenic (1 of 4 stars; one submission).

Conditions:
Primary hypomagnesemia (HOMG3). Also called: HYPOMAGNESEMIA 3, RENAL; HYPOMAGNESEMIA, FAMILIAL, WITH HYPERCALCIURIA AND NEPHROCALCINOSIS; HYPOMAGNESEMIA, ISOLATED RENAL; HYPOMAGNESEMIA, PRIMARY, DUE TO DEFECT IN RENAL TUBULAR TRANSPORT OF MAGNESIUM. Identifiers: Orphanet 31043, MedGen C0268448, MONDO:0009550, OMIM 248250.

Submission:

Rare Kidney Stone Consortium and the Mayo Clinic Hyperoxaluria Center, Mayo Clinic
Classification: Likely pathogenic for Primary hypomagnesemia. Last evaluated: 2025-05-01. Review status: criteria provided, single submitter. Criteria: ACMG Guidelines, 2015. Collection method: research. Allele origin: germline. Affected: yes.
Comment: ACMG: PM2, PM3, PP2,PP3, PP4

homozygote

Literature cited by the submitters: PubMed 34805638.